The following is an entry in ClinVar:

ClinVar aggregate classification (germline): Pathogenic. Review status: criteria provided, multiple submitters, no conflicts (2 of 4 stars). 7 submissions from 7 submitters: Pathogenic (6). 1 of the submissions does not count toward it. Last evaluated 2025-06-11.

Conditions:
Wilson disease (WND). Also called: Wilson's disease. Identifiers: Orphanet 905, MedGen C0019202, MONDO:0010200, OMIM 277900. Disease mechanism: loss of function.

Submissions (7):

Natera, Inc.
Classification: Pathogenic for Wilson disease. Last evaluated: 2025-06-11. Review status: criteria provided, single submitter. Criteria: Natera Variant Classification Schema (03/2026). Collection method: clinical testing. Allele origin: germline.
Comment: The c.1716delG variant in ATP7B is a frameshift variant predicted to shift the reading frame and introduce a stop codon. This variant is expected to result in nonsense mediated decay, truncation, or a dysfunctional protein product. This variant is rare in the general population with a frequency below the threshold expected for the associated phenotype(s). This variant has been observed in one or more individuals affected with the associated recessive disease, as either homozygous or compound heterozygous with a second variant (PMID: 23551039). Given the available evidence, this variant is classified as Pathogenic.

Baylor Genetics
Classification: Pathogenic for Wilson disease. Last evaluated: 2024-02-27. Review status: criteria provided, single submitter. Criteria: ACMG Guidelines, 2015. Collection method: clinical testing. Allele origin: unknown.

Labcorp Genetics (formerly Invitae), Labcorp
Classification: Pathogenic for Wilson disease. Last evaluated: 2022-08-04. Review status: criteria provided, single submitter. Criteria: Invitae Variant Classification Sherloc (09022015). Collection method: clinical testing. Allele origin: germline.
Comment: For these reasons, this variant has been classified as Pathogenic. ClinVar contains an entry for this variant (Variation ID: 370955). This premature translational stop signal has been observed in individuals with Wilson disease (PMID: 23551039). This variant is not present in population databases (gnomAD no frequency). This sequence change creates a premature translational stop signal (p.Met573*) in the ATP7B gene. It is expected to result in an absent or disrupted protein product. Loss-of-function variants in ATP7B are known to be pathogenic (PMID: 10441329, 16283883).

Genome-Nilou Lab
Classification: Pathogenic for Wilson disease. Last evaluated: 2021-08-10. Review status: criteria provided, single submitter. Criteria: ACMG Guidelines, 2015. Collection method: clinical testing. Allele origin: germline. Affected: no.

Women's Health and Genetics/Laboratory Corporation of America, LabCorp
Classification: Pathogenic for Wilson disease. Last evaluated: 2018-02-05. Review status: criteria provided, single submitter. Criteria: LabCorp Variant Classification Summary - May 2015. Collection method: clinical testing. Allele origin: germline.
Comment: Variant summary: ATP7B c.1716delG (p.Met573X) results in a premature termination codon, predicted to cause a truncation of the encoded protein or absence of the protein due to nonsense mediated decay, which are commonly known mechanisms for disease. Truncations downstream of this position have been classified as pathogenic by our laboratory (e.g., p.Ile582fsX25 and p.Tyr670fsX1). The variant was absent in 246180 control chromosomes in gnomAD. The c.1716delG variant has been reported in the literature in two individuals affected with Wilson Disease, both of whom were described as early-onset of symptoms and a higher burden of disease (Aggarwal_2013). These data indicate that the variant is likely to be associated with disease. One publication reports experimental evidence evaluating several different aspects of protein function; the most pronounced variant effect results in <10% of normal activity (Chandhok_2016). One clinical diagnostic laboratory has submitted clinical-significance assessments for this variant to ClinVar after 2014 without evidence for independent evaluation. One laboratory classified the variant as pathogenic/likely pathogenic. Based on the evidence outlined above, the variant was classified as pathogenic.

Neuberg Centre For Genomic Medicine, NCGM
Classification: Pathogenic for Wilson disease. Review status: criteria provided, single submitter. Criteria: ACMG Guidelines, 2015. Collection method: clinical testing. Allele origin: germline. Inheritance: Autosomal recessive inheritance. Affected: yes.
Comment: The observed frameshift c.1716del (p.Met573Ter) variant in ATP7B gene has been reported previously in individuals affected with Wilson Disease (Aggarwal et al., 2013). Experimental evidences showed this variant reduces the functional activity of ATP7B (Chandhok et al., 2016). The p.Met573Ter variant is absent in gnomAD Exomes. This variant has been submitted to the ClinVar database as Likely Pathogenic / Pathogenic (multiple submissions). This sequence change creates a premature translational stop signal (p.Met573Ter) in the ATP7B gene. This variant is predicted to cause loss of normal protein function through protein truncation. Loss of function variants in ATP7B gene have been previously reported to be pathogenic (Chandhok et al., 2016). For these reasons, this variant has been classified as Pathogenic.

Counsyl
Classification: Likely pathogenic for Wilson disease. Last evaluated: 2016-05-25. Review status: no assertion criteria provided. Collection method: clinical testing. Allele origin: unknown. Not counted in ClinVar's aggregate classification.

Literature cited by the submitters: PubMed 23551039 (cited by 4 submitters); PubMed 10441329 (cited by Labcorp Genetics (formerly Invitae), Labcorp); PubMed 16283883 (cited by Labcorp Genetics (formerly Invitae), Labcorp); PubMed 27122662 (cited by Women's Health and Genetics/Laboratory Corporation of America, LabCorp and Counsyl).

NM_000053.4(ATP7B):c.1716del (p.Gly572_Met573insTer)

Gene: ATP7B (ATPase copper transporting beta; minus strand). Cytogenetic location: 13q14.3.
Variant type: Deletion.
Coding change: c.1716del on transcript NM_000053.4 (MANE Select); coding-DNA position 1716, one base deleted (G; older notation c.1716delG).
Protein change: p.Gly572_Met573insTer.
Molecular consequence: frameshift variant.
Genome position (GRCh38, 1-based): chr13:51,965,025, C deleted on the plus strand (G on the coding strand, the reverse complement: ATP7B is on the minus strand); the first of 3 consecutive C bases (chr13:51,965,025-51,965,027); deleting any one gives the same sequence. VCF-style (leftmost placement, unchanged base first): chr13-51965024-TC-T. GRCh37 (hg19) VCF-style: chr13-52539160-TC-T.
Other names: c.1716delG (NM_000053.4); c.1716del, p.Gly572_Met573insTer (NM_001005918.3, NM_001330578.2, NM_001330579.2); c.1383del, p.Gly461_Met462insTer (NM_001243182.2).
Identifiers: ClinVar variation 370955 (VCV000370955.20), dbSNP rs1057516893, ClinGen allele CA16041674.